The following is an entry in ClinVar:

NM_181486.4(TBX5):c.1184A>G (p.Asp395Gly)

Gene: TBX5 (T-box transcription factor 5; minus strand). Cytogenetic location: 12q24.21.
Variant type: single nucleotide variant.
Coding change: c.1184A>G on transcript NM_181486.4 (MANE Select); coding-DNA position 1184, A replaced by G.
Protein change: p.Asp395Gly; replaces aspartic acid 395 with glycine.
Molecular consequence: missense variant.
Genome position (GRCh38, 1-based): chr12:114,355,905, T>C on the plus strand (A>G on the coding strand, the complement: TBX5 is on the minus strand). VCF-style: chr12-114355905-T-C. GRCh37 (hg19) VCF-style: chr12-114793710-T-C.
Other names: c.1184A>G, p.Asp395Gly (NM_000192.3); c.1034A>G, p.Asp345Gly (NM_080717.4); short protein forms D345G, D395G.
Identifiers: ClinVar variation 3230599 (VCV003230599.1), dbSNP rs146269931, ClinGen allele CA6809386.
Genomic context (GRCh38, chr12:114,355,905, plus strand): 5'-ACGGTGGTGACGGTGCAGCTGCTGTAGGAAGGCATGCTTGGCCACGTGTTGCAGCTGATG[T>C]CCTCTAGGCTGGGCACAGGCTCGCTGGGGGGCGCAGAGCTGGCATACATGCAAGCTTGCC-3'
Protein context (NP_852259.1, residues 385-405): PPSEPVPSLE[Asp395Gly]ISCNTWPSMP

ClinVar aggregate classification (germline): Uncertain significance (1 of 4 stars; one submission).

Conditions:
Cardiovascular phenotype. Identifiers: MedGen CN230736.

Allele frequency attached by ClinVar (database versions not stated): gnomAD 0.00001; gnomAD exomes 0.00001; TOPMed 0.00001; ExAC 0.00003; ESP Exome Variant Server 0.00015.
gnomAD v4.1: 5 of 1,613,680 alleles (0.00031%); highest among the groups gnomAD compares: African/African-American, 0.0067%; no homozygotes.

Submission:

Ambry Genetics
Classification: Uncertain significance for Cardiovascular phenotype. Last evaluated: 2024-01-22. Review status: criteria provided, single submitter. Criteria: Ambry Variant Classification Scheme 2023. Collection method: clinical testing. Allele origin: germline.
Comment: The p.D395G variant (also known as c.1184A>G), located in coding exon 8 of the TBX5 gene, results from an A to G substitution at nucleotide position 1184. The aspartic acid at codon 395 is replaced by glycine, an amino acid with similar properties. This amino acid position is conserved. In addition, the in silico prediction for this alteration is inconclusive. Based on the available evidence, the clinical significance of this alteration remains unclear.